The following is an entry in ClinVar:

NM_001876.4(CPT1A):c.1394G>A (p.Gly465Glu)

Gene: CPT1A (carnitine palmitoyltransferase 1A; minus strand). Cytogenetic location: 11q13.3.
Variant type: single nucleotide variant.
Coding change: c.1394G>A on transcript NM_001876.4 (MANE Select); coding-DNA position 1394, G replaced by A.
Protein change: p.Gly465Glu; replaces glycine 465 with glutamic acid.
Molecular consequence: missense variant.
Genome position (GRCh38, 1-based): chr11:68,780,704, C>T on the plus strand (G>A on the coding strand, the complement: CPT1A is on the minus strand). VCF-style: chr11-68780704-C-T. GRCh37 (hg19) VCF-style: chr11-68548172-C-T.
Other names: c.1394G>A, p.Gly465Glu (NM_001031847.3); short protein forms G465E.
Identifiers: ClinVar variation 373240 (VCV000373240.3), dbSNP rs761944958, ClinGen allele CA16042851.

ClinVar aggregate classification (germline): Likely pathogenic. Review status: criteria provided, multiple submitters, no conflicts (2 of 4 stars). 2 submissions from 2 submitters: Likely pathogenic (2). Last evaluated 2025-04-15.

Conditions:
Carnitine palmitoyl transferase 1A deficiency. Also called: Carnitine palmitoyltransferase 1A deficiency; CPT deficiency, hepatic, type IA; CPT I DEFICIENCY; CPT DEFICIENCY, HEPATIC, TYPE I; Carnitine palmitoyltransferase type I deficiency. Identifiers: Orphanet 156, MedGen C1829703, MONDO:0009705, OMIM 255120.

gnomAD v4.1: 2 of 1,614,194 alleles (0.00012%); highest among the groups gnomAD compares: Non-Finnish European, 0.00017%; no homozygotes.

Submissions (2):

Women's Health and Genetics/Laboratory Corporation of America, LabCorp
Classification: Likely pathogenic for Carnitine palmitoyl transferase 1A deficiency. Last evaluated: 2025-04-15. Review status: criteria provided, single submitter. Criteria: LabCorp Variant Classification Summary - May 2015. Collection method: clinical testing. Allele origin: germline.
Comment: Variant summary: CPT1A c.1394G>A (p.Gly465Glu) results in a non-conservative amino acid change in the encoded protein sequence. Five of five in-silico tools predict a damaging effect of the variant on protein function. The variant was absent in 251494 control chromosomes. c.1394G>A has been observed in at least one homozygous individual affected with Carnitine Palmitoyltransferase I Deficiency (e.g. Boonsimma_EJMG_2022). These data indicate that the variant may be associated with disease. At least one publication reports experimental evidence evaluating an impact on protein function. The most pronounced variant effect results in 10%-<30% of normal enzyme activity (e.g. Boonsimma_2022). The following publication has been ascertained in the context of this evaluation (PMID: 32781271). ClinVar contains an entry for this variant (Variation ID: 373240). Based on the evidence outlined above, the variant was classified as likely pathogenic.

GeneDx
Classification: Likely pathogenic. Last evaluated: 2016-11-23. Review status: criteria provided, single submitter. Criteria: GeneDx Variant Classification (06012015). Collection method: clinical testing. Allele origin: germline. Affected: yes.
Comment: The G465E variant in the CPT1A gene has not been reported previously as a pathogenic variant, nor as a benign variant, to our knowledge. However, missense variants at this same codon (G465W and G465R) have been reported in individuals with CPT1 deficiency (Bennett et al., 2004; Choi et al., 2016). The G465E variant was not observed in approximately 6500 individuals of European and African American ancestry in the NHLBI Exome Sequencing Project, indicating it is not a common benign variant in these populations. The G465E variant is a non-conservative amino acid substitution, which is likely to impact secondary protein structure as these residues differ in polarity, charge, size and/or other properties. This substitution occurs at a position that is not conserved; however in silico analysis predicts this variant is probably damaging to the protein structure/function. The G465E variant is a strong candidate for a pathogenic variant, however the possibility it may be a rare benign variant cannot be excluded.

Literature cited by the submitters: PubMed 32781271 (cited by Women's Health and Genetics/Laboratory Corporation of America, LabCorp).